The following is an entry in ClinVar:

NM_001365276.2(TNXB):c.7856C>T (p.Pro2619Leu)

Gene: TNXB (tenascin XB; minus strand). Cytogenetic location: 6p21.33.
Variant type: single nucleotide variant.
Coding change: c.7856C>T on transcript NM_001365276.2 (MANE Select); coding-DNA position 7856, C replaced by T.
Protein change: p.Pro2619Leu; replaces proline 2619 with leucine.
Molecular consequence: missense variant.
Genome position (GRCh38, 1-based): chr6:32,056,873, G>A on the plus strand (C>T on the coding strand, the complement: TNXB is on the minus strand). VCF-style: chr6-32056873-G-A. GRCh37 (hg19) VCF-style: chr6-32024650-G-A.
Other names: p.Pro2619Leu; c.7856C>T, p.Pro2619Leu (NM_019105.8); short protein forms P2619L.
Identifiers: ClinVar variation 521772 (VCV000521772.65), dbSNP rs183760368, ClinGen allele CA3734019.

ClinVar aggregate classification (germline): Conflicting classifications of pathogenicity. Review status: criteria provided, conflicting classifications (1 of 4 stars). 11 submissions from 11 submitters: Uncertain significance (4); Likely benign (7). Last evaluated 2025-07-01.

Conditions:
Cardiovascular phenotype. Identifiers: MedGen CN230736.
Ehlers-Danlos syndrome (EDS). Identifiers: Orphanet 98249, MedGen C0013720, MONDO:0020066.
TNXB-related disorder. Also called: TNXB-related condition.
Ehlers-Danlos syndrome due to tenascin-X deficiency (EDSCLL1). Also called: TNX DEFICIENCY; EHLERS-DANLOS SYNDROME, CLASSIC-LIKE; Ehlers-Danlos syndrome, classic-like, 1; TNXB-Related Classical-Like Ehlers-Danlos Syndrome; EDS DUE TO TNX DEFICIENCY. Identifiers: Orphanet 230839, MedGen C1848029, MONDO:0011670, OMIM 606408.

Allele frequency attached by ClinVar (database versions not stated): ESP Exome Variant Server 0.00064; gnomAD 0.00073 and 0.00080; TOPMed 0.00084; gnomAD exomes 0.00087 and 0.00089; ExAC 0.00090; 1000 Genomes Project 30x 0.00094; 1000 Genomes Project 0.00120.
gnomAD v4.1: 1,407 of 1,612,584 alleles (0.087%); highest among the groups gnomAD compares: Middle Eastern, 0.59%; 2 homozygotes.

Submissions (11):

CeGaT Center for Human Genetics Tuebingen
Classification: Likely benign. Last evaluated: 2025-07-01. Review status: criteria provided, single submitter. Criteria: CeGaT Center For Human Genetics Tuebingen Variant Classification Criteria Version 2. Collection method: clinical testing. Allele origin: germline. Affected: yes. Observed: 8 variant alleles.
Comment: TNXB: BP4

Women's Health and Genetics/Laboratory Corporation of America, LabCorp
Classification: Likely benign. Last evaluated: 2025-07-01. Review status: criteria provided, single submitter. Criteria: LabCorp Variant Classification Summary - May 2015. Collection method: clinical testing. Allele origin: germline.
Comment: Variant summary: TNXB c.7856C>T (p.Pro2619Leu) results in a non-conservative amino acid change in the encoded protein sequence. Algorithms developed to predict the effect of missense changes on protein structure and function are either unavailable or do not agree on the potential impact of this missense change. The variant allele was found at a frequency of 0.00087 in 1612584 control chromosomes, including 2 homozygotes, predominantly at a frequency of 0.0059 within the Middle Eastern subpopulation (gnomAD v4). The observed variant frequency within Middle Eastern control individuals in the gnomAD database is approximately 5.4 fold of the estimated maximal expected allele frequency for a pathogenic variant in TNXB causing Ehlers-Danlos-like syndrome phenotype (0.0011), strongly suggesting that the variant is a benign polymorphism. c.7856C>T has been reported in the literature in the heterozygous state in at least one individual affected with distal myopathy (e.g., Evila_2017), however without strong evidence for causality due to a co-occurring pathogenic TTN truncating variant. This report therefore does not provide unequivocal conclusions about association of the variant with Ehlers-Danlos-like syndrome. To our knowledge, no experimental evidence demonstrating an impact on protein function has been reported. The following publication was ascertained in the context of this evaluation (PMID: 27796757). ClinVar contains an entry for this variant (Variation ID: 521772). Based on the evidence outlined above, the variant was classified as likely benign.

Mayo Clinic Laboratories, Mayo Clinic
Classification: Likely benign. Last evaluated: 2025-01-13. Review status: criteria provided, single submitter. Criteria: ACMG Guidelines, 2015. Collection method: clinical testing. Allele origin: germline. Observed: 6 variant alleles.
Comment: BS1, BP4

PreventionGenetics, part of Exact Sciences
Classification: Likely benign for TNXB-related condition. Last evaluated: 2024-11-25. Review status: criteria provided, single submitter. Criteria: ACMG Guidelines, 2015. Collection method: clinical testing. Allele origin: germline.
Comment: This variant is classified as likely benign based on ACMG/AMP sequence variant interpretation guidelines (Richards et al. 2015 PMID: 25741868, with internal and published modifications).

Blueprint Genetics
Classification: Likely benign. Last evaluated: 2024-10-23. Review status: criteria provided, single submitter. Criteria: ACMG Guidelines, 2015. Collection method: clinical testing. Allele origin: germline.

Ambry Genetics
Classification: Likely benign for Cardiovascular phenotype. Last evaluated: 2024-02-14. Review status: criteria provided, single submitter. Criteria: Ambry Variant Classification Scheme 2023. Collection method: clinical testing. Allele origin: germline.

GeneDx
Classification: Likely benign. Last evaluated: 2023-06-20. Review status: criteria provided, single submitter. Criteria: GeneDx Variant Classification Process June 2021. Collection method: clinical testing. Allele origin: germline. Affected: yes.
Comment: See Variant Classification Assertion Criteria.

Genome Diagnostics Laboratory, The Hospital for Sick Children
Classification: Uncertain significance for Ehlers-Danlos syndrome. Last evaluated: 2021-05-31. Review status: criteria provided, single submitter. Criteria: ACMG Guidelines, 2015. Collection method: clinical testing. Allele origin: germline.

Victorian Clinical Genetics Services, Murdoch Childrens Research Institute
Classification: Uncertain significance for Ehlers-Danlos syndrome due to tenascin-X deficiency. Last evaluated: 2020-05-21. Review status: criteria provided, single submitter. Criteria: ACMG Guidelines, 2015. Collection method: clinical testing. Allele origin: germline.
Comment: A heterozygous missense variant was identified, NM_001365276.1(TNXB):c.7856C>T in exon 23 of 44 of the TNXB gene (NB: this variant is non-coding in alternative transcripts). This substitution is predicted to create a moderate amino acid change from a proline to a leucine at position 2619 of the protein; NP_001352205.1(TNXB):p.(Pro2619Leu). The proline at this position has very low conservation (100 vertebrates, UCSC), and is not located within a particular domain (NCBI, PDB, UniProt). In silico software predictions of the pathogenicity of this variant are conflicting (PolyPhen2, PROVEAN, MutationAssessor, FATHMM). The variant is present in the gnomAD population database at a global population frequency of 0.087% (241 heterozygotes, 0 homozygotes) with a European sub-population frequency of 0.12%. This variant has been previously reported as a VUS in a clinical case (ClinVar). Based on information available at the time of curation, this variant has been classified as a VUS.

Illumina Laboratory Services, Illumina
Classification: Uncertain significance for Ehlers-Danlos syndrome due to tenascin-X deficiency. Last evaluated: 2019-06-26. Review status: criteria provided, single submitter. Criteria: ICSLVariantClassificationCriteria RUGD 01 April 2020. Collection method: clinical testing. Allele origin: unknown.
Comment: The TNXB c.7856C>T (p.Pro2619Leu) variant is a missense variant. A literature search was performed for the gene, cDNA change, and amino acid change. No publications were found based on this search. The variant is reported at a frequency of 0.001658 in the Ashkenazi Jewish population from the Genome Aggregation Database. Based on the limited evidence, the p.Pro2619Leu variant is classified as a variant of uncertain significance for Ehlers-Danlos syndrome due to tenascin-X deficiency.

Baylor Genetics
Classification: Uncertain significance for Ehlers-Danlos syndrome due to tenascin-X deficiency. Last evaluated: 2018-09-14. Review status: criteria provided, single submitter. Criteria: ACMG Guidelines, 2015. Collection method: clinical testing. Allele origin: maternal. Affected: yes.
Comment: This variant was determined to be of uncertain significance according to ACMG Guidelines, 2015 [PMID:25741868].

Literature cited by the submitters: PubMed 27796757 (cited by Women's Health and Genetics/Laboratory Corporation of America, LabCorp); PubMed 28518168 (cited by Ambry Genetics); PubMed 32461654 (cited by Ambry Genetics).